The following is an entry in ClinVar:

ClinVar aggregate classification (germline): Conflicting classifications of pathogenicity. Review status: criteria provided, conflicting classifications (1 of 4 stars). 2 submissions from 2 submitters: Uncertain significance (1); Likely benign (1). Last evaluated 2023-11-17.

Conditions:
Inborn genetic diseases. Identifiers: MedGen C0950123, MeSH D030342.
Combined oxidative phosphorylation defect type 27. Also called: Combined oxidative phosphorylation deficiency 27. Identifiers: Orphanet 477774, MedGen C5567608, MONDO:0014728, OMIM 616672.

Allele frequency attached by ClinVar (database versions not stated): TOPMed 0.00003; ExAC 0.00025; 1000 Genomes Project 0.00040; 1000 Genomes Project 30x 0.00047.
gnomAD v4.1: 130 of 1,613,114 alleles (0.0081%); highest among the groups gnomAD compares: South Asian, 0.1%; no homozygotes.

Submissions (2):

Ambry Genetics
Classification: Likely benign for Inborn genetic diseases. Last evaluated: 2023-11-17. Review status: criteria provided, single submitter. Criteria: Ambry Variant Classification Scheme 2023. Collection method: clinical testing. Allele origin: germline.

Labcorp Genetics (formerly Invitae), Labcorp
Classification: Uncertain significance for Combined oxidative phosphorylation defect type 27. Last evaluated: 2022-09-13. Review status: criteria provided, single submitter. Criteria: Invitae Variant Classification Sherloc (09022015). Collection method: clinical testing. Allele origin: germline.
Comment: This sequence change replaces alanine, which is neutral and non-polar, with threonine, which is neutral and polar, at codon 359 of the CARS2 protein (p.Ala359Thr). This variant is present in population databases (rs570568500, gnomAD 0.1%). This variant has not been reported in the literature in individuals affected with CARS2-related conditions. ClinVar contains an entry for this variant (Variation ID: 650817). Advanced modeling of protein sequence and biophysical properties (such as structural, functional, and spatial information, amino acid conservation, physicochemical variation, residue mobility, and thermodynamic stability) performed at Invitae indicates that this missense variant is not expected to disrupt CARS2 protein function. In summary, the available evidence is currently insufficient to determine the role of this variant in disease. Therefore, it has been classified as a Variant of Uncertain Significance.

NM_024537.4(CARS2):c.1075G>A (p.Ala359Thr)

Gene: CARS2 (cysteinyl-tRNA synthetase 2, mitochondrial; minus strand). Cytogenetic location: 13q34.
Variant type: single nucleotide variant.
Coding change: c.1075G>A on transcript NM_024537.4 (MANE Select); coding-DNA position 1075, G replaced by A.
Protein change: p.Ala359Thr; replaces alanine 359 with threonine.
Molecular consequence: missense variant. On other transcripts: non-coding transcript variant (2).
Genome position (GRCh38, 1-based): chr13:110,647,219, C>T on the plus strand (G>A on the coding strand, the complement: CARS2 is on the minus strand). VCF-style: chr13-110647219-C-T. GRCh37 (hg19) VCF-style: chr13-111299566-C-T.
Other names: c.289G>A, p.Ala97Thr (NM_001352252.2); c.1075G>A (NM_024537.2); short protein forms A97T, A359T.
Identifiers: ClinVar variation 650817 (VCV000650817.9), dbSNP rs570568500, ClinGen allele CA7051913.